The following is an entry in ClinVar:

NM_015158.5(KANK1):c.971A>G (p.Tyr324Cys)

Gene: KANK1 (KN motif and ankyrin repeat domains 1; plus strand). Cytogenetic location: 9p24.3.
Variant type: single nucleotide variant.
Coding change: c.971A>G on transcript NM_015158.5 (MANE Select); coding-DNA position 971, A replaced by G.
Protein change: p.Tyr324Cys; replaces tyrosine 324 with cysteine.
Molecular consequence: missense variant. On other transcripts: non-coding transcript variant (1).
Genome position (GRCh38, 1-based): chr9:711,737, A>G. VCF-style: chr9-711737-A-G. GRCh37 (hg19) VCF-style: chr9-711737-A-G.
Other names: c.971A>G, p.Tyr324Cys (NM_001256876.3, NM_001256877.3, NM_001354331.2 and 3 more transcripts); c.497A>G, p.Tyr166Cys (NM_001354333.2, NM_001354335.2, NM_001354336.2 and 10 more transcripts); short protein forms Y166C, Y324C.
Identifiers: ClinVar variation 4754071 (VCV004754071.1).

ClinVar aggregate classification (germline): Uncertain significance (1 of 4 stars; one submission).

gnomAD v4.1: 129 of 1,614,094 alleles (0.008%); highest among the groups gnomAD compares: East Asian, 0.22%; no homozygotes.

Submission:

Labcorp Genetics (formerly Invitae), Labcorp
Classification: Uncertain significance. Last evaluated: 2025-11-13. Review status: criteria provided, single submitter. Criteria: Invitae Variant Classification Sherloc (09022015). Collection method: clinical testing. Allele origin: germline.
Comment: This sequence change replaces tyrosine, which is neutral and polar, with cysteine, which is neutral and slightly polar, at codon 324 of the KANK1 protein (p.Tyr324Cys). This variant is present in population databases (rs767181031, gnomAD 0.01%). This variant has not been reported in the literature in individuals affected with KANK1-related conditions. Invitae Evidence Modeling of protein sequence and biophysical properties (such as structural, functional, and spatial information, amino acid conservation, physicochemical variation, residue mobility, and thermodynamic stability) indicates that this missense variant is expected to disrupt KANK1 protein function with a positive predictive value of 80%. In summary, the available evidence is currently insufficient to determine the role of this variant in disease. Therefore, it has been classified as a Variant of Uncertain Significance.